The following is an entry in ClinVar:

ClinVar aggregate classification (germline): Uncertain significance (1 of 4 stars; one submission).

gnomAD v4.1: 2 of 1,547,090 alleles (0.00013%); highest among the groups gnomAD compares: African/African-American, 0.0014%; no homozygotes.

Submission:

Mayo Clinic Laboratories, Mayo Clinic
Classification: Uncertain significance. Last evaluated: 2024-09-24. Review status: criteria provided, single submitter. Criteria: ACMG Guidelines, 2015. Collection method: clinical testing. Allele origin: germline. Observed: 1 variant allele.
Comment: BP4, PM2_supporting

NM_001142864.4(PIEZO1):c.6934G>T (p.Ala2312Ser)

Gene: PIEZO1 (piezo type mechanosensitive ion channel component 1 (Er blood group); minus strand). Cytogenetic location: 16q24.3.
Variant type: single nucleotide variant.
Coding change: c.6934G>T on transcript NM_001142864.4 (MANE Select); coding-DNA position 6934, G replaced by T.
Protein change: p.Ala2312Ser; replaces alanine 2312 with serine.
Molecular consequence: missense variant.
Genome position (GRCh38, 1-based): chr16:88,716,476, C>A on the plus strand (G>T on the coding strand, the complement: PIEZO1 is on the minus strand). VCF-style: chr16-88716476-C-A. GRCh37 (hg19) VCF-style: chr16-88782884-C-A.
Other names: p.Ala2312Ser; short protein forms A2312S.
Identifiers: ClinVar variation 4542083 (VCV004542083.1).